The following is an entry in ClinVar:

ClinVar aggregate classification (germline): Likely pathogenic (1 of 4 stars; one submission).

Submission:

GeneDx
Classification: Likely pathogenic. Last evaluated: 2013-06-25. Review status: criteria provided, single submitter. Criteria: GeneDx Variant Classification (06012015). Collection method: clinical testing. Allele origin: germline. Affected: yes.
Comment: p.Gln343Arg (CAG>CGG): c.1028 A>G in exon 8 of the ADCK3 gene (NM_020247.4). The Q343R missense change that is likely pathogenic was identified in the ADCK3 gene. It has not been published as a mutation, nor has it been reported as a benign polymorphism to our knowledge. The amino acid substitution is non-conservative in that an uncharged Glutamine residue is replaced by a positively charged Arginine residue. This substitution occurs at a highly conserved position in the ADCK3 protein and multiple in-silico analysis models predict that Q343R is damaging to the ADCK3 protein. Therefore, Q343R is a strong candidate for a disease-causing mutation, however the possibility that it is a benign variant cannot be excluded. Of note, two copies of the Q343R variant could also be seen if the patient had one allele with the Q343R variant and one allele that was refractory to amplification. The variant is found in MITONUC-MITOP panel(s).

NM_020247.5(COQ8A):c.1028A>G (p.Gln343Arg)

Gene: COQ8A (coenzyme Q8A; plus strand). Cytogenetic location: 1q42.13.
Variant type: single nucleotide variant.
Coding change: c.1028A>G on transcript NM_020247.5 (MANE Select); coding-DNA position 1028, A replaced by G.
Protein change: p.Gln343Arg; replaces glutamine 343 with arginine.
Molecular consequence: missense variant.
Genome position (GRCh38, 1-based): chr1:226,982,982, A>G. VCF-style: chr1-226982982-A-G. GRCh37 (hg19) VCF-style: chr1-227170683-A-G.
Other names: p.Q343R:CAG>CGG; short protein forms Q343R.
Identifiers: ClinVar variation 214043 (VCV000214043.2), dbSNP rs863223884, ClinGen allele CA320200.
Genomic context (GRCh38, chr1:226,982,982, plus strand): 5'-ACTGGCGGGACAAGTTGGAATACTTCGAGGAGCGGCCCTTCGCCGCCGCATCCATTGGGC[A>G]GGTGCACTTGGCCCGAATGAAGGGCGGCCGCGAGGTGGCCATGAAGATCCAGGTAGGCGG-3'
Protein context (NP_064632.2, residues 333-353): ERPFAAASIG[Gln343Arg]VHLARMKGGR